The following is an entry in ClinVar:

NM_001282597.3(CTNNA2):c.2125A>G (p.Asn709Asp)

Gene: CTNNA2 (catenin alpha 2; plus strand). Cytogenetic location: 2p12.
Variant type: single nucleotide variant.
Coding change: c.2125A>G on transcript NM_001282597.3 (MANE Select); coding-DNA position 2125, A replaced by G.
Protein change: p.Asn709Asp; replaces asparagine 709 with aspartic acid.
Molecular consequence: missense variant.
Genome position (GRCh38, 1-based): chr2:80,589,421, A>G. VCF-style: chr2-80589421-A-G. GRCh37 (hg19) VCF-style: chr2-80816546-A-G.
Other names: c.2125A>G, p.Asn709Asp (NM_001164883.2, NM_004389.4); c.2227A>G, p.Asn743Asp (NM_001282598.2); c.1162A>G, p.Asn388Asp (NM_001282599.2); c.1021A>G, p.Asn341Asp (NM_001282600.2, NM_001320810.2); short protein forms N341D, N388D, N709D, N743D.
Identifiers: ClinVar variation 1331120 (VCV001331120.2), dbSNP rs2149736103, ClinGen allele CA347514020.

ClinVar aggregate classification (germline): Uncertain significance (1 of 4 stars; one submission).

Submission:

GeneDx
Classification: Uncertain significance. Last evaluated: 2021-06-28. Review status: criteria provided, single submitter. Criteria: GeneDx Variant Classification Process June 2021. Collection method: clinical testing. Allele origin: germline. Affected: yes.
Comment: Not observed at significant frequency in large population cohorts (Lek et al., 2016); In silico analysis supports that this missense variant has a deleterious effect on protein structure/function; Has not been previously published as pathogenic or benign to our knowledge; This variant is associated with the following publications: (PMID: 27535533)